The following is an entry in ClinVar:

ClinVar aggregate classification (germline): Uncertain significance. Review status: criteria provided, multiple submitters, no conflicts (2 of 4 stars). 2 submissions from 2 submitters: Uncertain significance (2). Last evaluated 2026-01-15.

Conditions:
Gastrointestinal stromal tumor. Also called: Gastrointestinal stromal tumor, somatic; Gastrointestinal stroma tumor. Identifiers: Orphanet 44890, MedGen C0238198, MeSH D046152, MONDO:0011719, OMIM 606764, HP:0100723.
Hereditary cancer-predisposing syndrome. Also called: Neoplastic Syndromes, Hereditary; Hereditary Cancer Syndrome; Hereditary neoplastic syndrome; Tumor predisposition. Identifiers: Orphanet 140162, MedGen C0027672, MeSH D009386, MONDO:0015356.

Submissions (2):

Labcorp Genetics (formerly Invitae), Labcorp
Classification: Uncertain significance for Gastrointestinal stromal tumor. Last evaluated: 2026-01-15. Review status: criteria provided, single submitter. Criteria: Invitae Variant Classification Sherloc (09022015). Collection method: clinical testing. Allele origin: germline.
Comment: This sequence change replaces arginine, which is basic and polar, with glycine, which is neutral and non-polar, at codon 5 of the KIT protein (p.Arg5Gly). This variant is not present in population databases (gnomAD no frequency). This variant has not been reported in the literature in individuals affected with KIT-related conditions. ClinVar contains an entry for this variant (Variation ID: 1008003). An algorithm developed to predict the effect of missense changes on protein structure and function (PolyPhen-2) suggests that this variant is likely to be tolerated. In summary, the available evidence is currently insufficient to determine the role of this variant in disease. Therefore, it has been classified as a Variant of Uncertain Significance.

Ambry Genetics
Classification: Uncertain significance for Hereditary cancer-predisposing syndrome. Last evaluated: 2025-01-31. Review status: criteria provided, single submitter. Criteria: Ambry Variant Classification Scheme 2023. Collection method: clinical testing. Allele origin: germline.
Comment: The p.R5G variant (also known as c.13C>G), located in coding exon 1 of the KIT gene, results from a C to G substitution at nucleotide position 13. The arginine at codon 5 is replaced by glycine, an amino acid with dissimilar properties. This amino acid position is well conserved in available vertebrate species. In addition, the in silico prediction for this alteration is inconclusive. Based on the available evidence, the clinical significance of this variant remains unclear.

NM_000222.3(KIT):c.13C>G (p.Arg5Gly)

Gene: KIT (KIT proto-oncogene, receptor tyrosine kinase; plus strand). Cytogenetic location: 4q12.
Variant type: single nucleotide variant.
Coding change: c.13C>G on transcript NM_000222.3 (MANE Select); coding-DNA position 13, C replaced by G.
Protein change: p.Arg5Gly; replaces arginine 5 with glycine.
Molecular consequence: missense variant.
Genome position (GRCh38, 1-based): chr4:54,658,027, C>G. VCF-style: chr4-54658027-C-G. GRCh37 (hg19) VCF-style: chr4-55524194-C-G.
Other names: c.13C>G, p.Arg5Gly (NM_001093772.2, NM_001385284.1, NM_001385285.1 and 4 more transcripts); c.13C>G (NM_000222.2); short protein forms R5G.
Identifiers: ClinVar variation 1008003 (VCV001008003.10), dbSNP rs1716939221, ClinGen allele CA356897856.